The following is an entry in ClinVar:

NM_019594.4(LRRC8A):c.1597C>T (p.Arg533Cys)

Gene: LRRC8A (leucine rich repeat containing 8 VRAC subunit A; plus strand). Cytogenetic location: 9q34.11.
Variant type: single nucleotide variant.
Coding change: c.1597C>T on transcript NM_019594.4 (MANE Select); coding-DNA position 1597, C replaced by T.
Protein change: p.Arg533Cys; replaces arginine 533 with cysteine.
Molecular consequence: missense variant.
Genome position (GRCh38, 1-based): chr9:128,908,761, C>T. VCF-style: chr9-128908761-C-T. GRCh37 (hg19) VCF-style: chr9-131671040-C-T.
Other names: c.1597C>T, p.Arg533Cys (NM_001127244.2, NM_001127245.2); short protein forms R533C.
Identifiers: ClinVar variation 3700415 (VCV003700415.2).

ClinVar aggregate classification (germline): Uncertain significance (1 of 4 stars; one submission).

gnomAD v4.1: 4 of 1,613,292 alleles (0.00025%); highest among the groups gnomAD compares: Admixed American, 0.0017%; no homozygotes.

Submission:

Labcorp Genetics (formerly Invitae), Labcorp
Classification: Uncertain significance. Last evaluated: 2024-06-02. Review status: criteria provided, single submitter. Criteria: Invitae Variant Classification Sherloc (09022015). Collection method: clinical testing. Allele origin: germline.
Comment: This sequence change replaces arginine, which is basic and polar, with cysteine, which is neutral and slightly polar, at codon 533 of the LRRC8A protein (p.Arg533Cys). This variant is present in population databases (rs113017554, gnomAD no frequency). This variant has not been reported in the literature in individuals affected with LRRC8A-related conditions. An algorithm developed to predict the effect of missense changes on protein structure and function (PolyPhen-2) suggests that this variant is likely to be tolerated. In summary, the available evidence is currently insufficient to determine the role of this variant in disease. Therefore, it has been classified as a Variant of Uncertain Significance.